The following is an entry in ClinVar:

NM_000143.4(FH):c.905-1G>C

Gene: FH (fumarate hydratase; minus strand). Cytogenetic location: 1q43.
Variant type: single nucleotide variant.
Coding change: c.905-1G>C on transcript NM_000143.4 (MANE Select); the canonical splice acceptor site of the intron before coding-DNA position 905, G replaced by C.
Molecular consequence: splice acceptor variant.
Genome position (GRCh38, 1-based): chr1:241,504,246, C>G on the plus strand (G>C on the coding strand, the complement: FH is on the minus strand). VCF-style: chr1-241504246-C-G. GRCh37 (hg19) VCF-style: chr1-241667546-C-G.
Identifiers: ClinVar variation 480838 (VCV000480838.5), dbSNP rs797044973, ClinGen allele CA345438437.

ClinVar aggregate classification (germline): Likely pathogenic (1 of 4 stars; one submission).

Conditions:
Hereditary cancer-predisposing syndrome. Also called: Hereditary Cancer Syndrome; Neoplastic Syndromes, Hereditary; Tumor predisposition; Hereditary neoplastic syndrome. Identifiers: Orphanet 140162, MedGen C0027672, MeSH D009386, MONDO:0015356.

Submission:

Ambry Genetics
Classification: Likely pathogenic for Hereditary cancer-predisposing syndrome. Last evaluated: 2016-07-25. Review status: criteria provided, single submitter. Criteria: Ambry Variant Classification Scheme 2023. Collection method: clinical testing. Allele origin: germline.
Comment: The c.905-1G>C intronic variant results from a G to C substitution one nucleotide upstream from coding exon 7 of the FH gene. A similar alteration at this location, c.905-1G>A, has been reported in four families of Jewish Iranian origin with multiple cutaneous and uterine leiomyomata syndrome (Chuang GS et al. J. Am. Acad. Dermatol., 2005 Mar;52:410-6). This variant was not reported in population based cohorts in the following databases: Database of Single Nucleotide Polymorphisms (dbSNP), NHLBI Exome Sequencing Project (ESP), and 1000 Genomes Project. In the ESP, this variant was not observed in 6503 samples (13006 alleles) with coverage at this position. To date, this alteration has been detected with an allele frequency of approximately 0.005% (greater than 20000 alleles tested) in our clinical cohort. This nucleotide position is highly conserved in available vertebrate species. Using two different splice site prediction tools, this alteration is predicted by BDGP to abolish the native splice acceptor site, but is predicted to weaken (but not abolish) the efficiency of the native splice acceptor site by ESEfinder; however, direct evidence is unavailable. Alterations that disrupt the canonical splice site are expected to cause aberrant splicing, resulting in an abnormal protein or a transcript that is subject to nonsense-mediated mRNA decay. As such, this alteration is classified as likely pathogenic.

Literature cited by the submitters: PubMed 15761418.